The following is an entry in ClinVar:

ClinVar aggregate classification (germline): Likely benign. Review status: criteria provided, single submitter (1 of 4 stars). 2 submissions from 2 submitters: Likely benign (1). 1 of the submissions does not count toward it. Last evaluated 2025-11-04.

Conditions:
SIM1-related disorder. Also called: SIM1-related disorders; SIM1-related condition.

Allele frequency attached by ClinVar (database versions not stated): gnomAD 0.00001; gnomAD exomes 0.00001; ExAC 0.00002; 1000 Genomes Project 30x 0.00016; 1000 Genomes Project 0.00020.

Submissions (2):

Labcorp Genetics (formerly Invitae), Labcorp
Classification: Likely benign. Last evaluated: 2025-11-04. Review status: criteria provided, single submitter. Criteria: Invitae Variant Classification Sherloc (09022015). Collection method: clinical testing. Allele origin: germline.

PreventionGenetics, part of Exact Sciences
Classification: Likely benign for SIM1-related condition. Last evaluated: 2024-03-15. Review status: no assertion criteria provided. Collection method: clinical testing. Allele origin: germline. Not counted in ClinVar's aggregate classification.
Comment: This variant is classified as likely benign based on ACMG/AMP sequence variant interpretation guidelines (Richards et al. 2015 PMID: 25741868, with internal and published modifications).

NM_005068.3(SIM1):c.1716G>A (p.Gln572=)

Gene: SIM1 (SIM bHLH transcription factor 1; minus strand). Cytogenetic location: 6q16.3.
Variant type: single nucleotide variant.
Coding change: c.1716G>A on transcript NM_005068.3 (MANE Select); coding-DNA position 1716, G replaced by A.
Protein change: p.Gln572=; no amino-acid change (glutamine 572 retained).
Molecular consequence: synonymous variant.
Genome position (GRCh38, 1-based): chr6:100,390,946, C>T on the plus strand (G>A on the coding strand, the complement: SIM1 is on the minus strand). VCF-style: chr6-100390946-C-T. GRCh37 (hg19) VCF-style: chr6-100838822-C-T.
Other names: c.1716G>A, p.Gln572= (NM_001374769.1).
Identifiers: ClinVar variation 3049171 (VCV003049171.4), dbSNP rs148094116, ClinGen allele CA3936953.
Genomic context (GRCh38, chr6:100,390,946, plus strand): 5'-CAGTTGGTCTGAGGGGGCTTTCCTTAGCTGTAATCTGTTCTCTTCTTCTTTAATCATTTG[C>T]TGAGTGGCTCTTATAAGAGTTTCAATTTTGCTGGGTTCATGTGGGCTACTTTGATACTGC-3'
Protein context (NP_005059.2, residues 562-582): SKIETLIRAT[Gln572=]QMIKEEENRL